The following is an entry in ClinVar:

ClinVar aggregate classification (germline): Uncertain significance. Review status: criteria provided, multiple submitters, no conflicts (2 of 4 stars). 2 submissions from 2 submitters: Uncertain significance (2). Last evaluated 2018-12-27.

Conditions:
Hypertrophic cardiomyopathy. Also called: HYPERTROPHIC MYOCARDIOPATHY. Identifiers: Orphanet 217569, MedGen C0007194, MeSH D002312, MONDO:0005045, HP:0001639.

Submissions (2):

Labcorp Genetics (formerly Invitae), Labcorp
Classification: Uncertain significance for Hypertrophic cardiomyopathy. Last evaluated: 2018-12-27. Review status: criteria provided, single submitter. Criteria: Invitae Variant Classification Sherloc (09022015). Collection method: clinical testing. Allele origin: germline.
Comment: Algorithms developed to predict the effect of missense changes on protein structure and function (SIFT, PolyPhen-2, Align-GVGD) all suggest that this variant is likely to be disruptive, but these predictions have not been confirmed by published functional studies and their clinical significance is uncertain. This variant has not been reported in the literature in individuals with MYL3-related disease. This variant is not present in population databases (ExAC no frequency). This sequence change replaces lysine with glutamic acid at codon 142 of the MYL3 protein (p.Lys142Glu). The lysine residue is highly conserved and there is a small physicochemical difference between lysine and glutamic acid. In summary, the available evidence is currently insufficient to determine the role of this variant in disease. Therefore, it has been classified as a Variant of Uncertain Significance.

Stanford Center for Inherited Cardiovascular Disease, Stanford University
Classification: Uncertain significance. Last evaluated: 2017-08-23. Review status: criteria provided, single submitter. Criteria: ACMG Guidelines, 2015. Collection method: provider interpretation. Allele origin: germline.

NM_000258.3(MYL3):c.424A>G (p.Lys142Glu)

Gene: MYL3 (myosin light chain 3; minus strand). Cytogenetic location: 3p21.31.
Variant type: single nucleotide variant.
Coding change: c.424A>G on transcript NM_000258.3 (MANE Select); coding-DNA position 424, A replaced by G.
Protein change: p.Lys142Glu; replaces lysine 142 with glutamic acid.
Molecular consequence: missense variant.
Genome position (GRCh38, 1-based): chr3:46,859,532, T>C on the plus strand (A>G on the coding strand, the complement: MYL3 is on the minus strand). VCF-style: chr3-46859532-T-C. GRCh37 (hg19) VCF-style: chr3-46901022-T-C.
Other names: short protein forms K142E.
Identifiers: ClinVar variation 454399 (VCV000454399.10), dbSNP rs1553639863, ClinGen allele CA352496062.